The following is an entry in ClinVar:

NM_002691.4(POLD1):c.792C>G (p.Asn264Lys)

Gene: POLD1 (DNA polymerase delta 1, catalytic subunit; plus strand). Cytogenetic location: 19q13.33.
Variant type: single nucleotide variant.
Coding change: c.792C>G on transcript NM_002691.4 (MANE Select); coding-DNA position 792, C replaced by G.
Protein change: p.Asn264Lys; replaces asparagine 264 with lysine.
Molecular consequence: missense variant. On other transcripts: non-coding transcript variant (1).
Genome position (GRCh38, 1-based): chr19:50,402,487, C>G. VCF-style: chr19-50402487-C-G. GRCh37 (hg19) VCF-style: chr19-50905744-C-G.
Other names: c.792C>G, p.Asn264Lys (NM_001256849.1, NM_001308632.1, NM_001438210.1 and 3 more transcripts); short protein forms N264K.
Identifiers: ClinVar variation 4862178 (VCV004862178.1).

ClinVar aggregate classification (germline): Uncertain significance (1 of 4 stars; one submission).

Conditions:
Hereditary cancer-predisposing syndrome. Also called: Neoplastic Syndromes, Hereditary; Tumor predisposition; Hereditary Cancer Syndrome; Hereditary neoplastic syndrome. Identifiers: Orphanet 140162, MedGen C0027672, MeSH D009386, MONDO:0015356.

gnomAD v4.1: 1 of 1,611,740 alleles (0.000062%); highest among the groups gnomAD compares: Non-Finnish European, 0.000085%; no homozygotes.

Submission:

Ambry Genetics
Classification: Uncertain significance for Hereditary cancer-predisposing syndrome. Last evaluated: 2026-04-13. Review status: criteria provided, single submitter. Criteria: Ambry Variant Classification Scheme 2023. Collection method: clinical testing. Allele origin: germline.
Comment: The p.N264K variant (also known as c.792C>G), located in coding exon 6 of the POLD1 gene, results from a C to G substitution at nucleotide position 792. The asparagine at codon 264 is replaced by lysine, an amino acid with similar properties. This amino acid position is conserved. In addition, this alteration is predicted to be tolerated by in silico analysis. Based on the available evidence, the clinical significance of this variant remains unclear.